The following is an entry in ClinVar:

NM_005393.3(PLXNB3):c.397G>A (p.Gly133Arg)

Gene: PLXNB3 (plexin B3; plus strand). Cytogenetic location: Xq28.
Variant type: single nucleotide variant.
Coding change: c.397G>A on transcript NM_005393.3 (MANE Select); coding-DNA position 397, G replaced by A.
Protein change: p.Gly133Arg; replaces glycine 133 with arginine.
Molecular consequence: missense variant.
Genome position (GRCh38, 1-based): chrX:153,767,224, G>A. VCF-style: chrX-153767224-G-A. GRCh37 (hg19) VCF-style: chrX-153032679-G-A.
Other names: c.466G>A, p.Gly156Arg (NM_001163257.2); short protein forms G133R, G156R.
Identifiers: ClinVar variation 2630640 (VCV002630640.1), dbSNP rs1215118708, ClinGen allele CA415095557.

ClinVar aggregate classification (germline): Uncertain significance (1 of 4 stars; one submission).

Conditions:
PLXNB3-related disorder. Also called: PLXNB3-related condition.

Allele frequency attached by ClinVar (database versions not stated): gnomAD exomes below 0.00001; TOPMed 0.00001.
gnomAD v4.1: 4 of 1,204,744 alleles (0.00033%); highest among the groups gnomAD compares: Non-Finnish European, 0.00045%; no homozygotes.

Submission:

PreventionGenetics, part of Exact Sciences
Classification: Uncertain significance for PLXNB3-related condition. Last evaluated: 2023-03-24. Review status: criteria provided, single submitter. Criteria: ACMG Guidelines, 2015. Collection method: clinical testing. Allele origin: germline.
Comment: The PLXNB3 c.466G>A variant is predicted to result in the amino acid substitution p.Gly156Arg. To our knowledge, this variant has not been reported in the literature or in a large population database, indicating this variant is rare. At this time, the clinical significance of this variant is uncertain due to the absence of conclusive functional and genetic evidence.